The following is an entry in ClinVar:

NC_000002.12:g.74371167CCT[3]

Gene: DCTN1 (dynactin subunit 1; minus strand). Cytogenetic location: 2p13.1.
Variant type: Microsatellite.
Genome position: GRCh38 VCF-style: chr2-74371166-CCCT-C. GRCh37 (hg19) VCF-style: chr2-74598293-CCCT-C.
Identifiers: ClinVar variation 2004285 (VCV002004285.5), dbSNP rs2529165382, ClinGen allele CA426816665.

ClinVar aggregate classification (germline): Uncertain significance (1 of 4 stars; one submission).

Conditions:
Amyotrophic lateral sclerosis type 1 (ALS1). Also called: AMYOTROPHIC LATERAL SCLEROSIS 1, FAMILIAL. Identifiers: Orphanet 803, MedGen C1862939, MONDO:0007103, OMIM 105400.
Perry syndrome. Also called: PARKINSONISM WITH ALVEOLAR HYPOVENTILATION AND MENTAL DEPRESSION. Identifiers: Orphanet 178509, MedGen C1868594, MONDO:0008201, OMIM 168605.
Neuronopathy, distal hereditary motor, type 7B. Also called: Distal Hereditary Motor Neuronopathy Type 7B (dHMN7B); NEURONOPATHY, DISTAL HEREDITARY MOTOR, AUTOSOMAL DOMINANT 14; NEURONOPATHY, DISTAL HEREDITARY MOTOR, HARDING TYPE VIIB; NEUROPATHY, DISTAL HEREDITARY MOTOR, HARDING TYPE VIIB; NEUROPATHY, DISTAL HEREDITARY MOTOR, WITH VOCAL CORD PARALYSIS, HARDING TYPE VIIB; HMN VIIB. Identifiers: Orphanet 139589, MedGen C1843315, MONDO:0011879, OMIM 607641.

Submission:

Labcorp Genetics (formerly Invitae), Labcorp
Classification: Uncertain significance for Amyotrophic lateral sclerosis type 1; Neuronopathy, distal hereditary motor, type 7B; Perry syndrome. Last evaluated: 2022-06-10. Review status: criteria provided, single submitter. Criteria: Invitae Variant Classification Sherloc (09022015). Collection method: clinical testing. Allele origin: germline.
Comment: In summary, the available evidence is currently insufficient to determine the role of this variant in disease. Therefore, it has been classified as a Variant of Uncertain Significance. Experimental studies and prediction algorithms are not available or were not evaluated, and the functional significance of this variant is currently unknown. This variant has not been reported in the literature in individuals affected with DCTN1-related conditions. This variant is not present in population databases (gnomAD no frequency). This variant, c.653_655del, results in the deletion of 1 amino acid(s) of the DCTN1 protein (p.Glu218del), but otherwise preserves the integrity of the reading frame.